The following is an entry in ClinVar:

ClinVar aggregate classification (germline): Uncertain significance. Review status: criteria provided, multiple submitters, no conflicts (2 of 4 stars). 2 submissions from 2 submitters: Uncertain significance (2). Last evaluated 2024-08-04.

Conditions:
Rhabdoid tumor predisposition syndrome 2 (RTPS2). Identifiers: Orphanet 231108, Orphanet 69077, MedGen C2750074, MONDO:0013224, OMIM 613325.
Hereditary cancer-predisposing syndrome. Also called: Hereditary Cancer Syndrome; Neoplastic Syndromes, Hereditary; Tumor predisposition; Hereditary neoplastic syndrome. Identifiers: Orphanet 140162, MedGen C0027672, MeSH D009386, MONDO:0015356.

Submissions (2):

Ambry Genetics
Classification: Uncertain significance for Hereditary cancer-predisposing syndrome. Last evaluated: 2024-08-04. Review status: criteria provided, single submitter. Criteria: Ambry Variant Classification Scheme 2023. Collection method: clinical testing. Allele origin: germline.
Comment: The p.E1061K variant (also known as c.3181G>A), located in coding exon 22 of the SMARCA4 gene, results from a G to A substitution at nucleotide position 3181. The glutamic acid at codon 1061 is replaced by lysine, an amino acid with similar properties. This amino acid position is conserved. In addition, this alteration is predicted to be deleterious by in silico analysis. Based on the available evidence, the clinical significance of this variant remains unclear.

Labcorp Genetics (formerly Invitae), Labcorp
Classification: Uncertain significance for Rhabdoid tumor predisposition syndrome 2. Last evaluated: 2023-04-10. Review status: criteria provided, single submitter. Criteria: Invitae Variant Classification Sherloc (09022015). Collection method: clinical testing. Allele origin: germline.
Comment: This variant has not been reported in the literature in individuals affected with SMARCA4-related conditions. Advanced modeling of protein sequence and biophysical properties (such as structural, functional, and spatial information, amino acid conservation, physicochemical variation, residue mobility, and thermodynamic stability) has been performed at Invitae for this missense variant, however the output from this modeling did not meet the statistical confidence thresholds required to predict the impact of this variant on SMARCA4 protein function. In summary, the available evidence is currently insufficient to determine the role of this variant in disease. Therefore, it has been classified as a Variant of Uncertain Significance. This variant is not present in population databases (gnomAD no frequency). This sequence change replaces glutamic acid, which is acidic and polar, with lysine, which is basic and polar, at codon 1061 of the SMARCA4 protein (p.Glu1061Lys).

NM_003072.5(SMARCA4):c.3181G>A (p.Glu1061Lys)

Gene: SMARCA4 (SWI/SNF related BAF chromatin remodeling complex subunit ATPase 4; plus strand). Cytogenetic location: 19p13.2.
Variant type: single nucleotide variant.
Coding change: c.3181G>A on transcript NM_003072.5 (MANE Select); coding-DNA position 3181, G replaced by A.
Protein change: p.Glu1061Lys; replaces glutamic acid 1061 with lysine.
Molecular consequence: missense variant. On other transcripts: non-coding transcript variant (1).
Genome position (GRCh38, 1-based): chr19:11,026,312, G>A. VCF-style: chr19-11026312-G-A. GRCh37 (hg19) VCF-style: chr19-11136988-G-A.
Other names: c.3181G>A, p.Glu1061Lys (NM_001128844.3, NM_001128845.2, NM_001128846.2 and 6 more transcripts); c.3181G>A (NM_001128849.1); short protein forms E1061K.
Identifiers: ClinVar variation 3005781 (VCV003005781.4), dbSNP rs2146515729, ClinGen allele CA404060080.